The following is an entry in ClinVar:

NM_004621.6(TRPC6):c.644G>A (p.Arg215Gln)

Gene: TRPC6 (transient receptor potential cation channel subfamily C member 6; minus strand). Cytogenetic location: 11q22.1.
Variant type: single nucleotide variant.
Coding change: c.644G>A on transcript NM_004621.6 (MANE Select); coding-DNA position 644, G replaced by A.
Protein change: p.Arg215Gln; replaces arginine 215 with glutamine.
Molecular consequence: missense variant.
Genome position (GRCh38, 1-based): chr11:101,504,325, C>T on the plus strand (G>A on the coding strand, the complement: TRPC6 is on the minus strand). VCF-style: chr11-101504325-C-T. GRCh37 (hg19) VCF-style: chr11-101375056-C-T.
Other names: short protein forms R215Q.
Identifiers: ClinVar variation 988133 (VCV000988133.4), dbSNP rs1860201767, ClinGen allele CA382449742.

ClinVar aggregate classification (germline): Conflicting classifications of pathogenicity. Review status: criteria provided, conflicting classifications (1 of 4 stars). 4 submissions from 4 submitters: Likely pathogenic (1); Uncertain significance (2). 1 of the submissions does not count toward it. Last evaluated 2026-07-19.

Conditions:
Nephrotic syndrome. Identifiers: MedGen C0027726, MONDO:0005377, HP:0000100.
Inborn genetic diseases. Identifiers: MedGen C0950123, MeSH D030342.
Focal segmental glomerulosclerosis 2 (FSGS2). Identifiers: Orphanet 656, MedGen C1858915, MONDO:0011390, OMIM 603965.

Submissions (4):

Ambry Genetics
Classification: Uncertain significance for Inborn genetic diseases. Last evaluated: 2026-07-19. Review status: criteria provided, single submitter. Criteria: Ambry Variant Classification Scheme 2023. Collection method: clinical testing. Allele origin: germline.

Victorian Clinical Genetics Services, Murdoch Childrens Research Institute
Classification: Uncertain significance for Focal segmental glomerulosclerosis 2. Last evaluated: 2026-03-13. Review status: criteria provided, single submitter. Criteria: ACMG Guidelines, 2015. Collection method: clinical testing. Allele origin: germline. Affected: yes.
Comment: This variant is classified as VUS-3A. Evidence in support of pathogenic classification: Variant is absent from gnomAD (v2, v3 and v4); Other missense variant(s) comparable to the one identified in this case have strong previous evidence for pathogenicity. p.(Arg215Gly) and p.(Arg215Trp) have been classified as VUS by clinical laboratories in ClinVar. In addition, p.(Arg215Trp) has been observed in individuals with focal segmental glomerulosclerosis and/or chronic kidney disease (VCGS personal communication; PMID: 30586318, 38315264, 39352759). Additional information: Variant is predicted to result in a missense amino acid change from Arg to Gln; This variant is heterozygous; This gene is associated with autosomal dominant disease; Alternative amino acid change(s) at the same position are present in gnomAD (highest allele count: v4: 6 heterozygote(s), 0 homozygote(s)); Previous evidence of pathogenicity for this variant is inconclusive. This variant has been classified as a VUS by a clinical laboratory in ClinVar. - No published evidence of segregation with disease has been identified for this variant; No published functional evidence has been identified for this variant; Variant is not located in an established domain, motif, hotspot or informative constraint region; Missense variant with inconclusive in silico prediction and/or uninformative conservation; Gain of function is a known mechanism of disease in this gene and is associated with glomerulosclerosis, focal segmental, 2 (MIM#603965). Reported variants are associated with current amplitude amplification and/or delay of the channel inactivation (PMID: 15879175, 32509715, 31266820). - Inheritance information for this variant is not currently available in this individual.

Precision Medicine Center, Zhengzhou University
Classification: Likely pathogenic for Focal segmental glomerulosclerosis 2. Review status: criteria provided, single submitter. Criteria: ACMG Guidelines, 2015. Collection method: research. Allele origin: germline. Affected: yes.
Comment: PM2:not found in gnomAD PP1:Cosegregation with disease in multiple affected family members PP3:Multiple lines of computational evidence support a deleterious effect on the gene or gene product PP4:Patient's phenotype is highly specific for a disease

Sydney Genome Diagnostics, Children's Hospital Westmead
Classification: Uncertain significance for Nephrotic syndrome. Last evaluated: 2018-10-24. Review status: no assertion criteria provided. Collection method: clinical testing. Allele origin: unknown. Affected: yes. Observed: 1 variant allele, 1 heterozygote. Not counted in ClinVar's aggregate classification.
Comment: To our knowledge, this variant has not been previously reported. p.Arg215 is a highly conserved amino acid (up to 15 species) however, there is only a small physicochemical difference between the wild type arginine and the mutant glutamine. In silico analysis (Alamut Visual v2.6) varies in regards to this variant; while PolyPhen2, SIFT and MutationTaster all predict this variant to be pathogenic, Align GVGD predicts that this variant is likely to be benign.

Literature cited by the submitters: PubMed 31266820 (cited by Victorian Clinical Genetics Services, Murdoch Childrens Research Institute); PubMed 39352759 (cited by Victorian Clinical Genetics Services, Murdoch Childrens Research Institute); PubMed 30586318 (cited by Victorian Clinical Genetics Services, Murdoch Childrens Research Institute); PubMed 15879175 (cited by Victorian Clinical Genetics Services, Murdoch Childrens Research Institute); PubMed 38315264 (cited by Victorian Clinical Genetics Services, Murdoch Childrens Research Institute); PubMed 32509715 (cited by Victorian Clinical Genetics Services, Murdoch Childrens Research Institute).